The following is an entry in ClinVar:

NM_170606.3(KMT2C):c.14343+9A>G

Gene: KMT2C (lysine methyltransferase 2C; minus strand). Cytogenetic location: 7q36.1.
Variant type: single nucleotide variant.
Coding change: c.14343+9A>G on transcript NM_170606.3 (MANE Select); 9 bases into the intron after coding-DNA position 14343, A replaced by G.
Molecular consequence: intron variant.
Genome position (GRCh38, 1-based): chr7:152,144,704, T>C on the plus strand (A>G on the coding strand, the complement: KMT2C is on the minus strand). VCF-style: chr7-152144704-T-C. GRCh37 (hg19) VCF-style: chr7-151841789-T-C.
Identifiers: ClinVar variation 2637510 (VCV002637510.1), dbSNP rs1422109550, ClinGen allele CA835323307.

ClinVar aggregate classification (germline): Likely benign (1 of 4 stars; one submission).

Allele frequency attached by ClinVar (database versions not stated): gnomAD exomes below 0.00001; TOPMed below 0.00001.
gnomAD v4.1: 4 of 1,611,578 alleles (0.00025%); highest among the groups gnomAD compares: Non-Finnish European, 0.00034%; no homozygotes.

Submission:

Women's Health and Genetics/Laboratory Corporation of America, LabCorp
Classification: Likely benign. Last evaluated: 2023-10-26. Review status: criteria provided, single submitter. Criteria: LabCorp Variant Classification Summary - May 2015. Collection method: clinical testing. Allele origin: germline.
Comment: Variant summary: KMT2C c.14343+9A>G alters a non-conserved nucleotide located at a position not widely known to affect splicing. Consensus agreement among computation tools predict no significant impact on normal splicing. However, these predictions have yet to be confirmed by functional studies. The variant was absent in 250282 control chromosomes. The available data on variant occurrences in the general population are insufficient to allow any conclusion about variant significance. To our knowledge, no occurrence of c.14343+9A>G in individuals affected with Kleefstra Syndrome 2 and no experimental evidence demonstrating its impact on protein function have been reported. No submitters have cited clinical-significance assessments for this variant to ClinVar after 2014. Based on the evidence outlined above, the variant was classified as likely benign.